The following is an entry in ClinVar:

ClinVar aggregate classification (germline): Likely pathogenic (1 of 4 stars; one submission).

Submission:

Labcorp Genetics (formerly Invitae), Labcorp
Classification: Likely pathogenic. Last evaluated: 2023-08-24. Review status: criteria provided, single submitter. Criteria: Invitae Variant Classification Sherloc (09022015). Collection method: clinical testing. Allele origin: germline.
Comment: In summary, the currently available evidence indicates that the variant is pathogenic, but additional data are needed to prove that conclusively. Therefore, this variant has been classified as Likely Pathogenic. Algorithms developed to predict the effect of sequence changes on RNA splicing suggest that this variant may disrupt the consensus splice site. ClinVar contains an entry for this variant (Variation ID: 1952798). This variant has not been reported in the literature in individuals affected with POLR3B-related conditions. This variant is not present in population databases (gnomAD no frequency). This sequence change affects an acceptor splice site in intron 1 of the POLR3B gene. It is expected to disrupt RNA splicing. Variants that disrupt the donor or acceptor splice site typically lead to a loss of protein function (PMID: 16199547), and loss-of-function variants in POLR3B are known to be pathogenic (PMID: 25339210).

Literature cited by the submitters: PubMed 16199547; PubMed 25339210.

NM_018082.6(POLR3B):c.73-2A>T

Gene: POLR3B (RNA polymerase III subunit B; plus strand). Cytogenetic location: 12q23.3.
Variant type: single nucleotide variant.
Coding change: c.73-2A>T on transcript NM_018082.6 (MANE Select); the canonical splice acceptor site of the intron before coding-DNA position 73, A replaced by T.
Molecular consequence: splice acceptor variant.
Genome position (GRCh38, 1-based): chr12:106,363,868, A>T. VCF-style: chr12-106363868-A-T. GRCh37 (hg19) VCF-style: chr12-106757646-A-T.
Other names: c.-102-2A>T (NM_001160708.2).
Identifiers: ClinVar variation 1952798 (VCV001952798.5), dbSNP rs2541973548, ClinGen allele CA386384938.